The following is an entry in ClinVar:

ClinVar aggregate classification (germline): Pathogenic (1 of 4 stars; one submission).

Conditions:
Duchenne muscular dystrophy (DMD). Also called: MUSCULAR DYSTROPHY, PSEUDOHYPERTROPHIC PROGRESSIVE, DUCHENNE TYPE; Duchenne Muscular Dystrophy (DMD). Identifiers: Orphanet 98896, MedGen C0013264, MONDO:0010679, OMIM 310200.

Submission:

Labcorp Genetics (formerly Invitae), Labcorp
Classification: Pathogenic for Duchenne muscular dystrophy. Last evaluated: 2022-03-18. Review status: criteria provided, single submitter. Criteria: Invitae Variant Classification Sherloc (09022015). Collection method: clinical testing. Allele origin: germline.
Comment: This variant results in a copy number gain of the genomic region encompassing exon(s) 5-9 of the DMD gene. While the exact position of this variant cannot be determined from the data, sub-genic copy number gains are generally in tandem (PMID: 25640679). This variant is predicted to be in-frame, and likely preserves the integrity of the reading frame. A similar copy number variant has been observed in individuals with Duchenne muscular dystrophy (PMID: 18403565). For these reasons, this variant has been classified as Pathogenic.

Literature cited by the submitters: PubMed 25640679; PubMed 18403565.

NC_000023.10:g.(?_32715967)_(32841967_?)dup

Gene: DMD (dystrophin; minus strand). Cytogenetic location: Xp21.1.
Variant type: Duplication.
Identifiers: ClinVar variation 1074666 (VCV001074666.2).